The following is an entry in ClinVar:

ClinVar aggregate classification (germline): Benign (1 of 4 stars; one submission).

Allele frequency attached by ClinVar (database versions not stated): ExAC 0.13693; 1000 Genomes Project 30x 0.08869; TOPMed 0.08933; gnomAD 0.08965; 1000 Genomes Project 0.09265.
gnomAD v4.1: 131,389 of 1,175,994 alleles (11%); highest among the groups gnomAD compares: Admixed American, 19%; 8,322 homozygotes.

Submission:

Unidad de Genómica Garrahan, Hospital de Pediatría Garrahan
Classification: Benign. Last evaluated: 2024-01-24. Review status: criteria provided, single submitter. Criteria: ACMG Guidelines, 2015. Collection method: clinical testing. Allele origin: germline. Affected: no. Observed: 20 variant alleles.
Comment: This variant is classified as Benign based on local population frequency. This variant was detected in 23% of patients studied by a panel of primary immunodeficiencies. Number of patients: 20. Only high quality variants are reported.

NM_005739.4(RASGRP1):c.1721-136G>A

Gene: RASGRP1 (RAS guanyl releasing protein 1; minus strand). Cytogenetic location: 15q14.
Variant type: single nucleotide variant.
Coding change: c.1721-136G>A on transcript NM_005739.4 (MANE Select); 136 bases into the intron before coding-DNA position 1721, G replaced by A.
Molecular consequence: intron variant.
Genome position (GRCh38, 1-based): chr15:38,499,082, C>T on the plus strand (G>A on the coding strand, the complement: RASGRP1 is on the minus strand). VCF-style: chr15-38499082-C-T. GRCh37 (hg19) VCF-style: chr15-38791283-C-T.
Other names: c.1616-136G>A (NM_001306086.2, NM_001128602.2).
Identifiers: ClinVar variation 2688490 (VCV002688490.2), dbSNP rs3936122, ClinGen allele CA7470772.